The following is an entry in ClinVar:

ClinVar aggregate classification (germline): Pathogenic (1 of 4 stars; one submission).

Conditions:
Deficiency of alpha-mannosidase (MANSA). Also called: LYSOSOMAL ALPHA-D-MANNOSIDASE DEFICIENCY; Alpha-Mannosidosis; Mannosidosis, alpha-, types I and II. Identifiers: Orphanet 61, MedGen C0024748, MONDO:0009561, OMIM 248500.

Submission:

Myriad Genetics, Inc.
Classification: Pathogenic for Deficiency of alpha-mannosidase. Last evaluated: 2024-10-02. Review status: criteria provided, single submitter. Criteria: Myriad Autosomal Dominant, Autosomal Recessive and X-Linked Classification Criteria (2023). Collection method: clinical testing. Allele origin: unknown.
Comment: NM_000528.3(MAN2B1):c.2059C>T(Q687*) is expected to be pathogenic in the context of alpha-mannosidosis. This variant is predicted to lead to an abnormal or absent protein product due to the creation of a premature termination codon in MAN2B1, a gene where loss-of-function variants are known to be pathogenic. Please note: this variant was assessed in the context of healthy population screening.

NM_000528.4(MAN2B1):c.2059C>T (p.Gln687Ter)

Gene: MAN2B1 (mannosidase alpha class 2B member 1; minus strand). Cytogenetic location: 19p13.13.
Variant type: single nucleotide variant.
Coding change: c.2059C>T on transcript NM_000528.4 (MANE Select); coding-DNA position 2059, C replaced by T.
Protein change: p.Gln687Ter; replaces glutamine 687 with a stop codon.
Molecular consequence: nonsense.
Genome position (GRCh38, 1-based): chr19:12,650,210, G>A on the plus strand (C>T on the coding strand, the complement: MAN2B1 is on the minus strand). VCF-style: chr19-12650210-G-A. GRCh37 (hg19) VCF-style: chr19-12761024-G-A.
Other names: c.2056C>T, p.Gln686Ter (NM_001173498.2); c.2062C>T, p.Gln688Ter (NM_001440570.1); short protein forms Q686*, Q687*, Q688*.
Identifiers: ClinVar variation 5013601 (VCV005013601.1).